The following is an entry in ClinVar:

ClinVar aggregate classification (germline): Uncertain significance. Review status: criteria provided, multiple submitters, no conflicts (2 of 4 stars). 2 submissions from 2 submitters: Uncertain significance (2). Last evaluated 2025-12-05.

Conditions:
Hereditary cancer-predisposing syndrome. Also called: Tumor predisposition; Neoplastic Syndromes, Hereditary; Hereditary Cancer Syndrome; Hereditary neoplastic syndrome. Identifiers: Orphanet 140162, MedGen C0027672, MeSH D009386, MONDO:0015356.
Tuberous sclerosis 2 (TSC2). Identifiers: Orphanet 805, MedGen C1860707, MONDO:0013199, OMIM 613254.

gnomAD v4.1: 1 of 1,613,178 alleles (0.000062%); highest among the groups gnomAD compares: Non-Finnish European, 0.000085%; no homozygotes.

Submissions (2):

Labcorp Genetics (formerly Invitae), Labcorp
Classification: Uncertain significance for Tuberous sclerosis 2. Last evaluated: 2025-12-05. Review status: criteria provided, single submitter. Criteria: Invitae Variant Classification Sherloc (09022015). Collection method: clinical testing. Allele origin: germline.
Comment: This sequence change replaces glycine, which is neutral and non-polar, with serine, which is neutral and polar, at codon 956 of the TSC2 protein (p.Gly956Ser). This variant is not present in population databases (gnomAD no frequency). This variant has not been reported in the literature in individuals affected with TSC2-related conditions. ClinVar contains an entry for this variant (Variation ID: 486687). Invitae Evidence Modeling of protein sequence and biophysical properties (such as structural, functional, and spatial information, amino acid conservation, physicochemical variation, residue mobility, and thermodynamic stability) indicates that this missense variant is not expected to disrupt TSC2 protein function with a negative predictive value of 95%. In summary, the available evidence is currently insufficient to determine the role of this variant in disease. Therefore, it has been classified as a Variant of Uncertain Significance.

Ambry Genetics
Classification: Uncertain significance for Hereditary cancer-predisposing syndrome. Last evaluated: 2016-12-23. Review status: criteria provided, single submitter. Criteria: Ambry Variant Classification Scheme 2023. Collection method: clinical testing. Allele origin: germline.
Comment: The p.G956S variant (also known as c.2866G>A), located in coding exon 25 of the TSC2 gene, results from a G to A substitution at nucleotide position 2866. The glycine at codon 956 is replaced by serine, an amino acid with similar properties. This amino acid position is well conserved in available vertebrate species. In addition, the in silico prediction for this alteration is inconclusive. Since supporting evidence is limited at this time, the clinical significance of this alteration remains unclear.

NM_000548.5(TSC2):c.2866G>A (p.Gly956Ser)

Gene: TSC2 (TSC complex subunit 2; plus strand). Cytogenetic location: 16p13.3.
Variant type: single nucleotide variant.
Coding change: c.2866G>A on transcript NM_000548.5 (MANE Select); coding-DNA position 2866, G replaced by A.
Protein change: p.Gly956Ser; replaces glycine 956 with serine.
Molecular consequence: missense variant. On other transcripts: intron variant (9).
Genome position (GRCh38, 1-based): chr16:2,077,626, G>A. VCF-style: chr16-2077626-G-A. GRCh37 (hg19) VCF-style: chr16-2127627-G-A.
Other names: c.2866G>A, p.Gly956Ser (NM_001114382.3); c.2837+1041G>A (NM_021055.3, NM_001370405.1, NM_001363528.2 and 2 more transcripts); c.2726+1041G>A (NM_001318827.2); c.2237+1041G>A (NM_001318831.2); c.2690+1041G>A (NM_001318829.2); c.2870+1041G>A (NM_001318832.2); short protein forms G956S.
Identifiers: ClinVar variation 486687 (VCV000486687.10), dbSNP rs769199118, ClinGen allele CA394280916.